The following is an entry in ClinVar:

NM_000059.4(BRCA2):c.7008-1104C>T

Gene: BRCA2 (BRCA2 DNA repair associated; plus strand). Cytogenetic location: 13q13.1.
Variant type: single nucleotide variant.
Coding change: c.7008-1104C>T on transcript NM_000059.4 (MANE Select); 1104 bases into the intron before coding-DNA position 7008, C replaced by T.
Molecular consequence: intron variant.
Genome position (GRCh38, 1-based): chr13:32,353,757, C>T. VCF-style: chr13-32353757-C-T. GRCh37 (hg19) VCF-style: chr13-32927894-C-T.
Other names: IVS 13-1104C>T.
Identifiers: ClinVar variation 209751 (VCV000209751.1), dbSNP rs9943876, ClinGen allele CA276719.
Genomic context (GRCh38, chr13:32,353,757, plus strand): 5'-TTAAATAGTTGATGGATGGGCGAACGGATAACTAAAGGAACAACTTCAAGTTCCAGGTAT[C>T]CAGGGTTTGGTAAAAGGAAATCTGGGGTTTTCAACAAGATATCAAGTATTAGGAAGACCA-3'

ClinVar aggregate classification (germline): Benign (3 of 4 stars; one submission).

Conditions:
Breast-ovarian cancer, familial, susceptibility to, 2 (BROVCA2). Also called: BRCA2 Hereditary Breast and Ovarian Cancer. Identifiers: Orphanet 145, MedGen C2675520, MONDO:0012933, OMIM 612555. Disease mechanism: loss of function.

Allele frequency attached by ClinVar (database versions not stated): 1000 Genomes Project 0.28395; 1000 Genomes Project 30x 0.28623; TOPMed 0.29791; gnomAD 0.30203.
gnomAD v4.1: 45,699 of 152,020 alleles (30%); highest among the groups gnomAD compares: Admixed American, 35%; 7,071 homozygotes.

Submission:

Evidence-based Network for the Interpretation of Germline Mutant Alleles (ENIGMA)
Classification: Benign for Breast-ovarian cancer, familial 2. Last evaluated: 2015-01-12. Review status: reviewed by expert panel. Criteria: ENIGMA BRCA1/2 Classification Criteria (2015). Collection method: curation. Allele origin: germline.
Comment: Class 1 not pathogenic based on frequency >1% in an outbred sampleset. Frequency 0.1661 (Asian), 0.3516 (African), 0.3206 (European), derived from 1000 genomes (2012-04-30).